The following is an entry in ClinVar:

ClinVar aggregate classification (germline): Pathogenic (1 of 4 stars; one submission).

Submission:

GeneDx
Classification: Pathogenic. Last evaluated: 2015-04-02. Review status: criteria provided, single submitter. Criteria: GeneDx Variant Classification (06012015). Collection method: clinical testing. Allele origin: germline. Affected: yes.
Comment: The c.1259-2A>G variant in the KMT2D gene has not been reported previously as a pathogenic variant nor as a benign polymorphism, to our knowledge. This splice site variant destroys the canonical splice acceptor site in intron 9. It is predicted to cause abnormal gene splicing, either leading to an abnormal message that is subject to nonsense-mediated mRNA decay, or to an abnormal protein product if the message is used for protein translation. The c.1259-2A>G variant was not observed in approximately 6200 individuals of European and African American ancestry in the NHLBI Exome Sequencing Project,indicating it is not a common benign variant in these populations. We interpret c.1259-2A>G as a pathogenic variant.

NM_003482.4(KMT2D):c.1259-2A>G

Gene: KMT2D (lysine methyltransferase 2D; minus strand). Cytogenetic location: 12q13.12.
Variant type: single nucleotide variant.
Coding change: c.1259-2A>G on transcript NM_003482.4 (MANE Select); the canonical splice acceptor site of the intron before coding-DNA position 1259, A replaced by G.
Molecular consequence: splice acceptor variant.
Genome position (GRCh38, 1-based): chr12:49,052,426, T>C on the plus strand (A>G on the coding strand, the complement: KMT2D is on the minus strand). VCF-style: chr12-49052426-T-C. GRCh37 (hg19) VCF-style: chr12-49446209-T-C.
Identifiers: ClinVar variation 379327 (VCV000379327.2), dbSNP rs1057520573, ClinGen allele CA16607303.